The following is an entry in ClinVar:

ClinVar aggregate classification (germline): Likely benign. Review status: criteria provided, single submitter (1 of 4 stars). 2 submissions from 2 submitters: Likely benign (1). 1 of the submissions does not count toward it. Last evaluated 2025-09-28.

Conditions:
AQP1-related disorder. Also called: AQP1-related condition.

Allele frequency attached by ClinVar (database versions not stated): ESP Exome Variant Server 0.00015; 1000 Genomes Project 30x 0.00016; ExAC 0.00017; 1000 Genomes Project 0.00020; gnomAD 0.00021; TOPMed 0.00028.
gnomAD v4.1: 279 of 1,613,788 alleles (0.017%); highest among the groups gnomAD compares: Middle Eastern, 0.18%; no homozygotes.

Submissions (2):

Labcorp Genetics (formerly Invitae), Labcorp
Classification: Likely benign. Last evaluated: 2025-09-28. Review status: criteria provided, single submitter. Criteria: Invitae Variant Classification Sherloc (09022015). Collection method: clinical testing. Allele origin: germline.

PreventionGenetics, part of Exact Sciences
Classification: Likely benign for AQP1-related condition. Last evaluated: 2023-06-06. Review status: no assertion criteria provided. Collection method: clinical testing. Allele origin: germline. Not counted in ClinVar's aggregate classification.
Comment: This variant is classified as likely benign based on ACMG/AMP sequence variant interpretation guidelines (Richards et al. 2015 PMID: 25741868, with internal and published modifications).

NM_198098.4(AQP1):c.471C>T (p.Thr157=)

Gene: AQP1 (aquaporin 1 (Colton blood group); plus strand). Cytogenetic location: 7p14.3.
Variant type: single nucleotide variant.
Coding change: c.471C>T on transcript NM_198098.4 (MANE Select); coding-DNA position 471, C replaced by T.
Protein change: p.Thr157=; no amino-acid change (threonine 157 retained).
Molecular consequence: synonymous variant.
Genome position (GRCh38, 1-based): chr7:30,922,152, C>T. VCF-style: chr7-30922152-C-T. GRCh37 (hg19) VCF-style: chr7-30961767-C-T.
Other names: c.471C>T, p.Thr157= (NM_001329872.2).
Identifiers: ClinVar variation 2050892 (VCV002050892.6), dbSNP rs150107539, ClinGen allele CA4208171.
Genomic context (GRCh38, chr7:30,922,152, plus strand): 5'-GGGCCTGGGCATCGAGATCATCGGGACCCTCCAGCTGGTGCTATGCGTGCTGGCTACTAC[C>T]GACCGGAGGCGCCGTGACCTTGGTGGCTCAGCCCCCCTTGCCATCGGCCTCTCTGTAGCC-3'
Protein context (NP_932766.1, residues 147-167): LQLVLCVLAT[Thr157=]DRRRRDLGGS